The following is an entry in ClinVar:

NM_004393.6(DAG1):c.310_311del (p.Leu104fs)

Gene: DAG1 (dystroglycan 1; plus strand). Cytogenetic location: 3p21.31.
Variant type: Deletion.
Coding change: c.310_311del on transcript NM_004393.6 (MANE Select); coding-DNA positions 310 to 311, 2 bases deleted (TT; older notation c.310_311delTT).
Protein change: p.Leu104fs; shifts the reading frame from leucine 104.
Molecular consequence: frameshift variant.
Genome position (GRCh38, 1-based): chr3:49,530,821-49,530,822, TT deleted; deleting any 2 consecutive bases within chr3:49,530,820-49,530,822 gives the same sequence; the c. name uses the placement nearest the transcript's 3' end. VCF-style (leftmost placement, unchanged base first): chr3-49530819-CTT-C. GRCh37 (hg19) VCF-style: chr3-49568252-CTT-C.
Other names: c.310_311del, p.Leu104fs (NM_001177643.3, NM_001177644.3, NM_001165928.4 and 9 more transcripts); c.310_311delTT (NM_004393.5); short protein forms L104fs.
Identifiers: ClinVar variation 429641 (VCV000429641.3), dbSNP rs1131691506, ClinGen allele CA645369337.
Genomic context (GRCh38, chr3:49,530,819, plus strand): 5'-ACAATAGTATTTTTAATTTATGCTTGTGTCTCTTCTAGGTATCAGCGGCAGGGAAGGAGG[CTT>C]TGCCATCTTGGCTGCACTGGGACTCACAGAGCCACACCCTGGAGGGCCTCCCCCTTGACA-3'

ClinVar aggregate classification (germline): Likely pathogenic (1 of 4 stars; one submission).

Submission:

GeneDx
Classification: Likely pathogenic. Last evaluated: 2017-05-10. Review status: criteria provided, single submitter. Criteria: GeneDx Variant Classification (06012015). Collection method: clinical testing. Allele origin: germline. Affected: yes.
Comment: The c.310_311delTT variant has not been published as a pathogenic variant, nor has it been reported as a benign variant to our knowledge. This variant is not observed in large population cohorts (Lek et al., 2016; 1000 Genomes Consortium et al., 2015; Exome Variant Server). The c.310_311delTT variant causes a frameshift starting with codon Leucine 104, changes this amino acid to a Alanine residue and creates a premature Stop codon at position 19 of the new reading frame, denoted p.Leu104AlafsX19. This variant is predicted to cause loss of normal protein function through protein truncation as the last 792 amino acids of the DAG1 protein are replaced by 18 incorrect amino acids.